The following is an entry in ClinVar:

NM_001164508.2(NEB):c.4300-1G>A

Gene: NEB (nebulin; minus strand). Cytogenetic location: 2q23.3.
Variant type: single nucleotide variant.
Coding change: c.4300-1G>A on transcript NM_001164508.2 (MANE Select); the canonical splice acceptor site of the intron before coding-DNA position 4300, G replaced by A.
Molecular consequence: splice acceptor variant.
Genome position (GRCh38, 1-based): chr2:151,671,230, C>T on the plus strand (G>A on the coding strand, the complement: NEB is on the minus strand). VCF-style: chr2-151671230-C-T. GRCh37 (hg19) VCF-style: chr2-152527744-C-T.
Other names: c.4300-1G>A (NM_004543.5, NM_001164507.2, NM_001271208.2).
Identifiers: ClinVar variation 2769162 (VCV002769162.3), dbSNP rs1331062755, ClinGen allele CA348816148.

ClinVar aggregate classification (germline): Likely pathogenic (1 of 4 stars; one submission).

Conditions:
Nemaline myopathy 2 (NEM2). Also called: Nemaline myopathy 2, autosomal recessive. Identifiers: MedGen C1850569, MONDO:0009725, OMIM 256030.

gnomAD v4.1: 1 of 1,609,890 alleles (0.000062%); no homozygotes.

Submission:

Labcorp Genetics (formerly Invitae), Labcorp
Classification: Likely pathogenic for Nemaline myopathy 2. Last evaluated: 2023-10-16. Review status: criteria provided, single submitter. Criteria: Invitae Variant Classification Sherloc (09022015). Collection method: clinical testing. Allele origin: germline.
Comment: This sequence change affects an acceptor splice site in intron 37 of the NEB gene. It is expected to disrupt RNA splicing. Variants that disrupt the donor or acceptor splice site typically lead to a loss of protein function (PMID: 16199547), and loss-of-function variants in NEB are known to be pathogenic (PMID: 25205138). This variant is not present in population databases (gnomAD no frequency). This variant has not been reported in the literature in individuals affected with NEB-related conditions. Algorithms developed to predict the effect of sequence changes on RNA splicing suggest that this variant may disrupt the consensus splice site. In summary, the currently available evidence indicates that the variant is pathogenic, but additional data are needed to prove that conclusively. Therefore, this variant has been classified as Likely Pathogenic.

Literature cited by the submitters: PubMed 16199547; PubMed 25205138.